The following is an entry in ClinVar:

NM_002303.6(LEPR):c.2918C>A (p.Thr973Asn)

Gene: LEPR (leptin receptor; plus strand). Cytogenetic location: 1p31.3.
Variant type: single nucleotide variant.
Coding change: c.2918C>A on transcript NM_002303.6 (MANE Select); coding-DNA position 2918, C replaced by A.
Protein change: p.Thr973Asn; replaces threonine 973 with asparagine.
Molecular consequence: missense variant.
Genome position (GRCh38, 1-based): chr1:65,636,435, C>A. VCF-style: chr1-65636435-C-A. GRCh37 (hg19) VCF-style: chr1-66102118-C-A.
Other names: short protein forms T973N.
Identifiers: ClinVar variation 917430 (VCV000917430.11), dbSNP rs142143966, ClinGen allele CA895188.

ClinVar aggregate classification (germline): Conflicting classifications of pathogenicity. Review status: criteria provided, conflicting classifications (1 of 4 stars). 5 submissions from 5 submitters: Uncertain significance (3); Benign (1). 1 of the submissions does not count toward it. Last evaluated 2025-12-11.

Conditions:
LEPR-related disorder. Also called: LEPR-related disorders; LEPR-related condition.
Inborn genetic diseases. Identifiers: MedGen C0950123, MeSH D030342.
Obesity due to leptin receptor gene deficiency. Identifiers: Orphanet 179494, MedGen C3554225, MONDO:0013992, OMIM 614963.
Monogenic diabetes. Identifiers: Orphanet 183625, MedGen C3888631, MONDO:0015967.

Allele frequency attached by ClinVar (database versions not stated): gnomAD exomes 0.00011; gnomAD 0.00049 and 0.00055; TOPMed 0.00074; ExAC 0.00011; ESP Exome Variant Server 0.00054.
gnomAD v4.1: 140 of 1,613,918 alleles (0.0087%); highest among the groups gnomAD compares: African/African-American, 0.15%; no homozygotes.

Submissions (5):

Ambry Genetics
Classification: Uncertain significance for Inborn genetic diseases. Last evaluated: 2025-12-11. Review status: criteria provided, single submitter. Criteria: Ambry Variant Classification Scheme 2023. Collection method: clinical testing. Allele origin: germline.

Labcorp Genetics (formerly Invitae), Labcorp
Classification: Benign. Last evaluated: 2025-06-08. Review status: criteria provided, single submitter. Criteria: Invitae Variant Classification Sherloc (09022015). Collection method: clinical testing. Allele origin: germline.

New York Genome Center
Classification: Uncertain significance for Obesity due to leptin receptor gene deficiency. Last evaluated: 2022-01-14. Review status: criteria provided, single submitter. Criteria: NYGC Assertion Criteria 2020. Collection method: clinical testing. Allele origin: germline. Observed: 1 variant allele.

Personalized Diabetes Medicine Program, University of Maryland School of Medicine
Classification: Uncertain significance for Monogenic diabetes. Last evaluated: 2017-12-08. Review status: criteria provided, single submitter. Criteria: ACMG Guidelines, 2015. Collection method: research. Allele origin: unknown. Observed: 1 variant allele, 1 heterozygote.
Comment: ACMG criteria: BP4 (9 predictors)=VUS

PreventionGenetics, part of Exact Sciences
Classification: Likely benign for LEPR-related condition. Last evaluated: 2022-02-14. Review status: no assertion criteria provided. Collection method: clinical testing. Allele origin: germline. Not counted in ClinVar's aggregate classification.
Comment: This variant is classified as likely benign based on ACMG/AMP sequence variant interpretation guidelines (Richards et al. 2015 PMID: 25741868, with internal and published modifications).